The following is an entry in ClinVar:

ClinVar aggregate classification (germline): Uncertain significance. Review status: criteria provided, multiple submitters, no conflicts (2 of 4 stars). 4 submissions from 3 submitters: Uncertain significance (2). 2 of the submissions do not count toward it. Last evaluated 2021-07-16.

Allele frequency attached by ClinVar (database versions not stated): ExAC 0.00001; gnomAD 0.00001; gnomAD exomes 0.00001; TOPMed 0.00001; 1000 Genomes Project 30x 0.00016; 1000 Genomes Project 0.00020.
gnomAD v4.1: 19 of 1,614,112 alleles (0.0012%); highest among the groups gnomAD compares: Admixed American, 0.0033%; no homozygotes.

Submissions (4):

Mayo Clinic Laboratories, Mayo Clinic
Classification: Uncertain significance. Last evaluated: 2021-07-16. Review status: criteria provided, single submitter. Criteria: ACMG Guidelines, 2015. Collection method: clinical testing. Allele origin: germline.

ARUP Laboratories, Molecular Genetics and Genomics, ARUP Laboratories
Classification: Uncertain significance. Last evaluated: 2016-11-23. Review status: criteria provided, single submitter. Criteria: ARUP Molecular Germline Variant Investigation Process. Collection method: clinical testing. Allele origin: germline.

Richard Lifton Laboratory, Yale University School of Medicine
Classification: Uncertain significance. Review status: no assertion criteria provided. Collection method: not provided. Allele origin: somatic. Not counted in ClinVar's aggregate classification.
Comment: CUBN:p.T1423M
ClinVar note: Converted during submission from unknown to Uncertain significance.

Richard Lifton Laboratory, Yale University School of Medicine
Classification: Uncertain significance. Review status: flagged submission. Collection method: not provided. Allele origin: somatic. Not counted in ClinVar's aggregate classification.
ClinVar note: Converted during submission from unknown to Uncertain significance.
ClinVar note: Reason: This record appears to be redundant with a more recent record from the same submitter.
ClinVar note: Notes: SCV000120043 appears to be redundant with SCV000155146.

NM_001081.4(CUBN):c.4268C>T (p.Thr1423Met)

Gene: CUBN (cubilin; minus strand). Cytogenetic location: 10p13.
Variant type: single nucleotide variant.
Coding change: c.4268C>T on transcript NM_001081.4 (MANE Select); coding-DNA position 4268, C replaced by T.
Protein change: p.Thr1423Met; replaces threonine 1423 with methionine.
Molecular consequence: missense variant.
Genome position (GRCh38, 1-based): chr10:16,990,416, G>A on the plus strand (C>T on the coding strand, the complement: CUBN is on the minus strand). VCF-style: chr10-16990416-G-A. GRCh37 (hg19) VCF-style: chr10-17032415-G-A.
Other names: p.Thr1423Met; short protein forms T1423M.
Identifiers: ClinVar variation 100823 (VCV000100823.14), dbSNP rs483352704, ClinGen allele CA229068.